The following is an entry in ClinVar:

ClinVar aggregate classification (germline): Uncertain significance (1 of 4 stars; one submission).

Conditions:
Combined oxidative phosphorylation defect type 17. Also called: Combined oxidative phosphorylation deficiency 17. Identifiers: Orphanet 369913, MedGen C3809526, MONDO:0014190, OMIM 615440.

Allele frequency attached by ClinVar (database versions not stated): gnomAD exomes 0.00001.
gnomAD v4.1: 10 of 1,614,190 alleles (0.00062%); highest among the groups gnomAD compares: Non-Finnish European, 0.00085%; no homozygotes.

Submission:

Labcorp Genetics (formerly Invitae), Labcorp
Classification: Uncertain significance for Combined oxidative phosphorylation defect type 17. Last evaluated: 2022-07-13. Review status: criteria provided, single submitter. Criteria: Invitae Variant Classification Sherloc (09022015). Collection method: clinical testing. Allele origin: germline.
Comment: This variant has not been reported in the literature in individuals affected with ELAC2-related conditions. In summary, the available evidence is currently insufficient to determine the role of this variant in disease. Therefore, it has been classified as a Variant of Uncertain Significance. Algorithms developed to predict the effect of missense changes on protein structure and function are either unavailable or do not agree on the potential impact of this missense change (SIFT: "Deleterious"; PolyPhen-2: "Benign"; Align-GVGD: "Class C0"). This variant is not present in population databases (gnomAD no frequency). This sequence change replaces aspartic acid, which is acidic and polar, with histidine, which is basic and polar, at codon 214 of the ELAC2 protein (p.Asp214His).

NM_018127.7(ELAC2):c.640G>C (p.Asp214His)

Gene: ELAC2 (elaC ribonuclease Z 2; minus strand). Cytogenetic location: 17p12.
Variant type: single nucleotide variant.
Coding change: c.640G>C on transcript NM_018127.7 (MANE Select); coding-DNA position 640, G replaced by C.
Protein change: p.Asp214His; replaces aspartic acid 214 with histidine.
Molecular consequence: missense variant. On other transcripts: intron variant (1).
Genome position (GRCh38, 1-based): chr17:13,011,702, C>G on the plus strand (G>C on the coding strand, the complement: ELAC2 is on the minus strand). VCF-style: chr17-13011702-C-G. GRCh37 (hg19) VCF-style: chr17-12915019-C-G.
Other names: c.640G>C, p.Asp214His (NM_173717.2); c.560-1031G>C (NM_001165962.2); short protein forms D214H.
Identifiers: ClinVar variation 2137214 (VCV002137214.2), dbSNP rs2508356009, ClinGen allele CA398217447.